The following is an entry in ClinVar:

ClinVar aggregate classification (germline): Uncertain significance (1 of 4 stars; one submission).

Submission:

GeneDx
Classification: Uncertain significance. Last evaluated: 2025-04-11. Review status: criteria provided, single submitter. Criteria: GeneDx Variant Classification Process June 2021. Collection method: clinical testing. Allele origin: germline. Affected: yes.
Comment: Not observed at significant frequency in large population cohorts (gnomAD); In silico analysis supports that this missense variant has a deleterious effect on protein structure/function; Has not been previously published as pathogenic or benign to our knowledge

NM_001377.3(DYNC2H1):c.2096T>G (p.Phe699Cys)

Gene: DYNC2H1 (dynein cytoplasmic 2 heavy chain 1; plus strand). Cytogenetic location: 11q22.3.
Variant type: single nucleotide variant.
Coding change: c.2096T>G on transcript NM_001377.3 (MANE Select); coding-DNA position 2096, T replaced by G.
Protein change: p.Phe699Cys; replaces phenylalanine 699 with cysteine.
Molecular consequence: missense variant.
Genome position (GRCh38, 1-based): chr11:103,133,697, T>G. VCF-style: chr11-103133697-T-G. GRCh37 (hg19) VCF-style: chr11-103004426-T-G.
Other names: c.2096T>G, p.Phe699Cys (NM_001080463.2); short protein forms F699C.
Identifiers: ClinVar variation 4282007 (VCV004282007.1).
Genomic context (GRCh38, chr11:103,133,697, plus strand): 5'-AAAATGCTGCTGAACGGCTTGCCACTGAAAATAGAAAACTGAGAAAATGGCACACTACAT[T>G]TTGTGAAAAGGTATATTTTGTTTATAAAATTGAATAAGCTATGAATGATATTATTTAAAA-3'
Protein context (NP_001368.2, residues 689-709): NRKLRKWHTT[Phe699Cys]CEKVVVLMNI